The following is an entry in ClinVar:

NM_000136.3(FANCC):c.1329+115C>T

Genes: AOPEP (aminopeptidase O (putative); plus strand), FANCC (FA complementation group C; minus strand). Cytogenetic location: 9q22.32.
Variant type: single nucleotide variant.
Coding change: c.1329+115C>T on transcript NM_000136.3 (MANE Select); 115 bases into the intron after coding-DNA position 1329, C replaced by T.
Molecular consequence: intron variant.
Genome position (GRCh38, 1-based): chr9:95,111,348, G>A on the plus strand (C>T on the coding strand, the complement: FANCC is on the minus strand). VCF-style: chr9-95111348-G-A. GRCh37 (hg19) VCF-style: chr9-97873630-G-A.
Other names: c.1329+115C>T (NM_001243743.2); c.1330-3C>T (NM_001243744.2).
Identifiers: ClinVar variation 998362 (VCV000998362.1), dbSNP rs2071912393, ClinGen allele CA913184875.

ClinVar aggregate classification (germline): Uncertain significance (1 of 4 stars; one submission).

Conditions:
Fanconi anemia complementation group C (FANCC). Also called: FANCC-Related Fanconi Anemia; FANCONI PANCYTOPENIA, TYPE 3; FACC; Fanconi anemia, group C. Identifiers: Orphanet 84, MedGen C3468041, MONDO:0009213, OMIM 227645.

Submission:

Baylor Genetics
Classification: Uncertain significance for Fanconi anemia complementation group C. Last evaluated: 2019-07-27. Review status: criteria provided, single submitter. Criteria: ACMG Guidelines, 2015. Collection method: clinical testing. Allele origin: unknown. Affected: yes. Study: CSER-TexasKidsCanSeq.
Comment: This variant was determined to be of uncertain significance according to ACMG Guidelines, 2015 [PMID:25741868].